The following is an entry in ClinVar:

ClinVar aggregate classification (germline): Uncertain significance (1 of 4 stars; one submission).

Conditions:
Chédiak-Higashi syndrome (CHS). Also called: Chediak-Higashi Syndrome. Identifiers: Orphanet 167, MedGen C0007965, MONDO:0008963, OMIM 214500.

Submission:

Labcorp Genetics (formerly Invitae), Labcorp
Classification: Uncertain significance for Chédiak-Higashi syndrome. Last evaluated: 2022-06-14. Review status: criteria provided, single submitter. Criteria: Invitae Variant Classification Sherloc (09022015). Collection method: clinical testing. Allele origin: germline.
Comment: This sequence change replaces glutamic acid, which is acidic and polar, with glutamine, which is neutral and polar, at codon 2693 of the LYST protein (p.Glu2693Gln). In summary, the available evidence is currently insufficient to determine the role of this variant in disease. Therefore, it has been classified as a Variant of Uncertain Significance. Algorithms developed to predict the effect of missense changes on protein structure and function (SIFT, PolyPhen-2, Align-GVGD) all suggest that this variant is likely to be tolerated. This variant has not been reported in the literature in individuals affected with LYST-related conditions. This variant is not present in population databases (gnomAD no frequency).

NM_000081.4(LYST):c.8077G>C (p.Glu2693Gln)

Gene: LYST (lysosomal trafficking regulator; minus strand). Cytogenetic location: 1q42.3.
Variant type: single nucleotide variant.
Coding change: c.8077G>C on transcript NM_000081.4 (MANE Select); coding-DNA position 8077, G replaced by C.
Protein change: p.Glu2693Gln; replaces glutamic acid 2693 with glutamine.
Molecular consequence: missense variant.
Genome position (GRCh38, 1-based): chr1:235,744,053, C>G on the plus strand (G>C on the coding strand, the complement: LYST is on the minus strand). VCF-style: chr1-235744053-C-G. GRCh37 (hg19) VCF-style: chr1-235907353-C-G.
Other names: c.8077G>C, p.Glu2693Gln (NM_001301365.1); short protein forms E2693Q.
Identifiers: ClinVar variation 1998486 (VCV001998486.4), dbSNP rs2527646509, ClinGen allele CA344924870.
Genomic context (GRCh38, chr1:235,744,053, plus strand): 5'-ATCCTTCTACCAGATATGTAAAAATTTCTTTCTGAAATGGATTGAAAACAGAAGACTGTT[C>G]ATGATGAATATTTTCCTCAGAAATTTCGGTCTGGAAAACTGAGGTCTTGCTTTGAGTTAC-3'
Protein context (NP_000072.2, residues 2683-2703): TEISEENIHH[Glu2693Gln]QSSVFNPFQK